The following is an entry in ClinVar:

NM_001940.4(ATN1):c.1752A>G (p.Pro584=)

Gene: ATN1 (atrophin 1; plus strand). Cytogenetic location: 12p13.31.
Variant type: single nucleotide variant.
Coding change: c.1752A>G on transcript NM_001940.4 (MANE Select); coding-DNA position 1752, A replaced by G.
Protein change: p.Pro584=; no amino-acid change (proline 584 retained).
Molecular consequence: synonymous variant.
Genome position (GRCh38, 1-based): chr12:6,937,019, A>G. VCF-style: chr12-6937019-A-G. GRCh37 (hg19) VCF-style: chr12-7046182-A-G.
Other names: c.1752A>G, p.Pro584= (NM_001007026.2, NM_001424176.1, NM_001424177.1 and 1 more transcripts); c.1749A>G, p.Pro583= (NM_001424179.1, NM_001424180.1); c.1731A>G, p.Pro577= (NM_001424181.1); c.1728A>G, p.Pro576= (NM_001424182.1).
Identifiers: ClinVar variation 2642650 (VCV002642650.24), dbSNP rs200905097, ClinGen allele CA6420700.

ClinVar aggregate classification (germline): Likely benign (1 of 4 stars; one submission).

Allele frequency attached by ClinVar (database versions not stated): ExAC 0.00004; gnomAD 0.00023; TOPMed 0.00045; 1000 Genomes Project 0.00060; 1000 Genomes Project 30x 0.00062; gnomAD exomes 0.00002.
gnomAD v4.1: 75 of 1,613,568 alleles (0.0046%); highest among the groups gnomAD compares: Admixed American, 0.058%; no homozygotes.

Submission:

CeGaT Center for Human Genetics Tuebingen
Classification: Likely benign. Last evaluated: 2022-05-01. Review status: criteria provided, single submitter. Criteria: CeGaT Center For Human Genetics Tuebingen Variant Classification Criteria Version 2. Collection method: clinical testing. Allele origin: germline. Affected: yes. Observed: 1 variant allele.
Comment: ATN1: BP4, BP7